The following is an entry in ClinVar:

NM_015450.3(POT1):c.214A>G (p.Ile72Val)

Gene: POT1 (protection of telomeres 1; minus strand). Cytogenetic location: 7q31.33.
Variant type: single nucleotide variant.
Coding change: c.214A>G on transcript NM_015450.3 (MANE Select); coding-DNA position 214, A replaced by G.
Protein change: p.Ile72Val; replaces isoleucine 72 with valine.
Molecular consequence: missense variant. On other transcripts: non-coding transcript variant (3), intron variant (1).
Genome position (GRCh38, 1-based): chr7:124,870,952, T>C on the plus strand (A>G on the coding strand, the complement: POT1 is on the minus strand). VCF-style: chr7-124870952-T-C. GRCh37 (hg19) VCF-style: chr7-124511006-T-C.
Other names: c.-138-7312A>G (NM_001042594.2); short protein forms I72V.
Identifiers: ClinVar variation 2562065 (VCV002562065.2), dbSNP rs1220705976, ClinGen allele CA369061419.

ClinVar aggregate classification (germline): Uncertain significance (1 of 4 stars; one submission).

Conditions:
Hereditary cancer-predisposing syndrome. Also called: Neoplastic Syndromes, Hereditary; Hereditary Cancer Syndrome; Hereditary neoplastic syndrome; Tumor predisposition. Identifiers: Orphanet 140162, MedGen C0027672, MeSH D009386, MONDO:0015356.

Allele frequency attached by ClinVar (database versions not stated): TOPMed below 0.00001; gnomAD 0.00001.
gnomAD v4.1: 1 of 1,609,396 alleles (0.000062%); highest among the groups gnomAD compares: Non-Finnish European, 0.000085%; no homozygotes.

Submission:

Ambry Genetics
Classification: Uncertain significance for Hereditary cancer-predisposing syndrome. Last evaluated: 2023-05-21. Review status: criteria provided, single submitter. Criteria: Ambry Variant Classification Scheme 2023. Collection method: clinical testing. Allele origin: germline.
Comment: The p.I72V variant (also known as c.214A>G), located in coding exon 3 of the POT1 gene, results from an A to G substitution at nucleotide position 214. The isoleucine at codon 72 is replaced by valine, an amino acid with highly similar properties. This amino acid position is conserved. In addition, this alteration is predicted to be tolerated by in silico analysis. Since supporting evidence is limited at this time, the clinical significance of this alteration remains unclear.